The following is an entry in ClinVar:

NM_006939.4(SOS2):c.374A>G (p.His125Arg)

Gene: SOS2 (SOS Ras/Rho guanine nucleotide exchange factor 2; minus strand). Cytogenetic location: 14q21.3.
Variant type: single nucleotide variant.
Coding change: c.374A>G on transcript NM_006939.4 (MANE Select); coding-DNA position 374, A replaced by G.
Protein change: p.His125Arg; replaces histidine 125 with arginine.
Molecular consequence: missense variant.
Genome position (GRCh38, 1-based): chr14:50,199,827, T>C on the plus strand (A>G on the coding strand, the complement: SOS2 is on the minus strand). VCF-style: chr14-50199827-T-C. GRCh37 (hg19) VCF-style: chr14-50666545-T-C.
Other names: c.374A>G, p.His125Arg (NM_001411020.1); short protein forms H125R.
Identifiers: ClinVar variation 1941757 (VCV001941757.5), dbSNP rs777300218, ClinGen allele CA389649737.

ClinVar aggregate classification (germline): Uncertain significance (1 of 4 stars; one submission).

Conditions:
Noonan syndrome 9 (NS9). Identifiers: Orphanet 648, MedGen C4225282, MONDO:0014691, OMIM 616559.

Submission:

Labcorp Genetics (formerly Invitae), Labcorp
Classification: Uncertain significance for Noonan syndrome 9. Last evaluated: 2024-05-21. Review status: criteria provided, single submitter. Criteria: Invitae Variant Classification Sherloc (09022015). Collection method: clinical testing. Allele origin: germline.
Comment: This sequence change replaces histidine, which is basic and polar, with arginine, which is basic and polar, at codon 125 of the SOS2 protein (p.His125Arg). This variant is not present in population databases (gnomAD no frequency). This variant has not been reported in the literature in individuals affected with SOS2-related conditions. ClinVar contains an entry for this variant (Variation ID: 1941757). Advanced modeling of protein sequence and biophysical properties (such as structural, functional, and spatial information, amino acid conservation, physicochemical variation, residue mobility, and thermodynamic stability) performed at Invitae indicates that this missense variant is not expected to disrupt SOS2 protein function with a negative predictive value of 95%. In summary, the available evidence is currently insufficient to determine the role of this variant in disease. Therefore, it has been classified as a Variant of Uncertain Significance.